The following is an entry in ClinVar:

ClinVar aggregate classification (germline): Uncertain significance (1 of 4 stars; one submission).

Conditions:
Hajdu-Cheney syndrome (HJCYS). Also called: SERPENTINE FIBULA-POLYCYSTIC KIDNEY SYNDROME; Acroosteolysis dominant type; ACROOSTEOLYSIS WITH OSTEOPOROSIS AND CHANGES IN SKULL AND MANDIBLE. Identifiers: Orphanet 955, MedGen C0917715, MONDO:0007057, OMIM 102500.

Submission:

Labcorp Genetics (formerly Invitae), Labcorp
Classification: Uncertain significance for Hajdu-Cheney syndrome. Last evaluated: 2023-07-20. Review status: criteria provided, single submitter. Criteria: Invitae Variant Classification Sherloc (09022015). Collection method: clinical testing. Allele origin: germline.
Comment: This variant is not present in population databases (gnomAD no frequency). This variant has not been reported in the literature in individuals affected with NOTCH2-related conditions. Advanced modeling of protein sequence and biophysical properties (such as structural, functional, and spatial information, amino acid conservation, physicochemical variation, residue mobility, and thermodynamic stability) performed at Invitae indicates that this missense variant is not expected to disrupt NOTCH2 protein function. In summary, the available evidence is currently insufficient to determine the role of this variant in disease. Therefore, it has been classified as a Variant of Uncertain Significance. This sequence change replaces threonine, which is neutral and polar, with isoleucine, which is neutral and non-polar, at codon 1860 of the NOTCH2 protein (p.Thr1860Ile).

NM_024408.4(NOTCH2):c.5579C>T (p.Thr1860Ile)

Gene: NOTCH2 (notch receptor 2; minus strand). Cytogenetic location: 1p12.
Variant type: single nucleotide variant.
Coding change: c.5579C>T on transcript NM_024408.4 (MANE Select); coding-DNA position 5579, C replaced by T.
Protein change: p.Thr1860Ile; replaces threonine 1860 with isoleucine.
Molecular consequence: missense variant.
Genome position (GRCh38, 1-based): chr1:119,919,514, G>A on the plus strand (C>T on the coding strand, the complement: NOTCH2 is on the minus strand). VCF-style: chr1-119919514-G-A. GRCh37 (hg19) VCF-style: chr1-120462137-G-A.
Other names: short protein forms T1860I.
Identifiers: ClinVar variation 2745535 (VCV002745535.3), dbSNP rs2526120101, ClinGen allele CA341884658.